The following is an entry in ClinVar:

ClinVar aggregate classification (germline): Uncertain significance. Review status: criteria provided, multiple submitters, no conflicts (2 of 4 stars). 2 submissions from 2 submitters: Uncertain significance (2). Last evaluated 2024-12-04.

Conditions:
Primary ciliary dyskinesia. Also called: Ciliary dyskinesia. Identifiers: Orphanet 244, MedGen C0008780, MONDO:0016575, HP:0012265.

Allele frequency attached by ClinVar (database versions not stated): gnomAD exomes below 0.00001; gnomAD 0.00001; TOPMed 0.00001.
gnomAD v4.1: 7 of 1,614,000 alleles (0.00043%); highest among the groups gnomAD compares: East Asian, 0.0022%; no homozygotes.

Submissions (2):

GeneDx
Classification: Uncertain significance. Last evaluated: 2024-12-04. Review status: criteria provided, single submitter. Criteria: GeneDx Variant Classification Process June 2021. Collection method: clinical testing. Allele origin: germline. Affected: yes.
Comment: Not observed at significant frequency in large population cohorts (gnomAD); In silico analysis supports that this missense variant has a deleterious effect on protein structure/function; Has not been previously published as pathogenic or benign to our knowledge

Labcorp Genetics (formerly Invitae), Labcorp
Classification: Uncertain significance for Primary ciliary dyskinesia. Last evaluated: 2022-03-15. Review status: criteria provided, single submitter. Criteria: Invitae Variant Classification Sherloc (09022015). Collection method: clinical testing. Allele origin: germline.
Comment: This sequence change replaces isoleucine, which is neutral and non-polar, with threonine, which is neutral and polar, at codon 819 of the CCDC40 protein (p.Ile819Thr). In summary, the available evidence is currently insufficient to determine the role of this variant in disease. Therefore, it has been classified as a Variant of Uncertain Significance. Algorithms developed to predict the effect of missense changes on protein structure and function are either unavailable or do not agree on the potential impact of this missense change (SIFT: "Deleterious"; PolyPhen-2: "Possibly Damaging"; Align-GVGD: "Class C0"). ClinVar contains an entry for this variant (Variation ID: 952382). This variant has not been reported in the literature in individuals affected with CCDC40-related conditions. This variant is present in population databases (no rsID available, gnomAD 0.003%).

NM_017950.4(CCDC40):c.2456T>C (p.Ile819Thr)

Gene: CCDC40 (coiled-coil domain 40 molecular ruler complex subunit; plus strand). Cytogenetic location: 17q25.3.
Variant type: single nucleotide variant.
Coding change: c.2456T>C on transcript NM_017950.4 (MANE Select); coding-DNA position 2456, T replaced by C.
Protein change: p.Ile819Thr; replaces isoleucine 819 with threonine.
Molecular consequence: missense variant.
Genome position (GRCh38, 1-based): chr17:80,087,613, T>C. VCF-style: chr17-80087613-T-C. GRCh37 (hg19) VCF-style: chr17-78061412-T-C.
Other names: c.2456T>C, p.Ile819Thr (NM_001243342.2); short protein forms I819T.
Identifiers: ClinVar variation 952382 (VCV000952382.11), dbSNP rs1316337946, ClinGen allele CA401348226.
Genomic context (GRCh38, chr17:80,087,613, plus strand): 5'-CGAGGACCCGTACCCTCCTGGGGTCTCTCCCTGAGTCTCTGTTTTCTGCCATAGGCAAGA[T>C]TGAGCAGGAGAAGAAGGAGCAGAAGGAGATCGAGCACCACATGAAGGACCTGGACAACGA-3'
Protein context (NP_060420.2, residues 809-829): EQKKLRVESK[Ile819Thr]EQEKKEQKEI